The following is an entry in ClinVar:

ClinVar aggregate classification (germline): Pathogenic. Review status: criteria provided, single submitter (1 of 4 stars). 2 submissions from 2 submitters: Pathogenic (1). 1 of the submissions does not count toward it. Last evaluated 2023-02-11.

Submissions (2):

Labcorp Genetics (formerly Invitae), Labcorp
Classification: Pathogenic. Last evaluated: 2023-02-11. Review status: criteria provided, single submitter. Criteria: Invitae Variant Classification Sherloc (09022015). Collection method: clinical testing. Allele origin: germline.
Comment: This variant is not present in population databases (gnomAD no frequency). For these reasons, this variant has been classified as Pathogenic. ClinVar contains an entry for this variant (Variation ID: 99469). This premature translational stop signal has been observed in individual(s) with clinical features of ABCA4-related conditions (PMID: 9295268). This sequence change creates a premature translational stop signal (p.Gln2190Argfs*57) in the ABCA4 gene. It is expected to result in an absent or disrupted protein product. Loss-of-function variants in ABCA4 are known to be pathogenic (PMID: 10958761, 24938718, 25312043, 26780318).

Retina International
No classification provided. Review status: no classification provided. Collection method: not provided. Allele origin: not provided. Not counted in ClinVar's aggregate classification.

Literature cited by the submitters: PubMed 9295268 (cited by Labcorp Genetics (formerly Invitae), Labcorp); PubMed 10958761 (cited by Labcorp Genetics (formerly Invitae), Labcorp); PubMed 24938718 (cited by Labcorp Genetics (formerly Invitae), Labcorp); PubMed 25312043 (cited by Labcorp Genetics (formerly Invitae), Labcorp); PubMed 26780318 (cited by Labcorp Genetics (formerly Invitae), Labcorp).

NM_000350.3(ABCA4):c.6568del (p.Gln2190fs)

Gene: ABCA4 (ATP binding cassette subfamily A member 4; minus strand). Cytogenetic location: 1p22.1.
Variant type: Deletion.
Coding change: c.6568del on transcript NM_000350.3 (MANE Select); coding-DNA position 6568, one base deleted (C; older notation c.6568delC).
Protein change: p.Gln2190fs; shifts the reading frame from glutamine 2190.
Molecular consequence: frameshift variant.
Genome position (GRCh38, 1-based): chr1:93,998,022, G deleted on the plus strand (C on the coding strand, the reverse complement: ABCA4 is on the minus strand); the first of 2 consecutive G bases (chr1:93,998,022-93,998,023); deleting either gives the same sequence. VCF-style (leftmost placement, unchanged base first): chr1-93998021-TG-T. GRCh37 (hg19) VCF-style: chr1-94463577-TG-T.
Other names: c.6345delC, p.Gln2116Argfs (NM_001425324.1); short protein forms Q2190fs.
Identifiers: ClinVar variation 99469 (VCV000099469.4), dbSNP rs61751381, ClinGen allele CA227417.
Genomic context (GRCh38, chr1:93,998,021, plus strand): 5'-ACCTGGAACTGGAGCATGTTGTAGTGCCTCTCCCTCTGCACACTGCCTGGGAAGTTCCCC[TG>T]GAAGAACTGCTCCACAGGGTTCAGGTCAGGAAGCAGGTCGTCCTTCGGGGATTTGATCTT-3'